The following is an entry in ClinVar:

NM_001605.3(AARS1):c.2114A>G (p.Glu705Gly)

Gene: AARS1 (alanyl-tRNA synthetase 1; minus strand). Cytogenetic location: 16q22.1.
Variant type: single nucleotide variant.
Coding change: c.2114A>G on transcript NM_001605.3 (MANE Select); coding-DNA position 2114, A replaced by G.
Protein change: p.Glu705Gly; replaces glutamic acid 705 with glycine.
Molecular consequence: missense variant.
Genome position (GRCh38, 1-based): chr16:70,258,096, T>C on the plus strand (A>G on the coding strand, the complement: AARS1 is on the minus strand). VCF-style: chr16-70258096-T-C. GRCh37 (hg19) VCF-style: chr16-70291999-T-C.
Other names: short protein forms E705G.
Identifiers: ClinVar variation 1799956 (VCV001799956.2), dbSNP rs2506996199, ClinGen allele CA396557629.

ClinVar aggregate classification (germline): Uncertain significance (1 of 4 stars; one submission).

Conditions:
Inborn genetic diseases. Identifiers: MedGen C0950123, MeSH D030342.

Allele frequency attached by ClinVar (database versions not stated): gnomAD exomes below 0.00001.
gnomAD v4.1: 1 of 1,613,982 alleles (0.000062%); highest among the groups gnomAD compares: Non-Finnish European, 0.000085%; no homozygotes.

Submission:

Ambry Genetics
Classification: Uncertain significance for Inborn genetic diseases. Last evaluated: 2022-08-15. Review status: criteria provided, single submitter. Criteria: Ambry Variant Classification Scheme 2023. Collection method: clinical testing. Allele origin: germline.
Comment: The p.E705G variant (also known as c.2114A>G), located in coding exon 14 of the AARS gene, results from an A to G substitution at nucleotide position 2114. The glutamic acid at codon 705 is replaced by glycine, an amino acid with similar properties. This amino acid position is conserved. In addition, this alteration is predicted to be tolerated by in silico analysis. Since supporting evidence is limited at this time, the clinical significance of this alteration remains unclear.